The following is an entry in ClinVar:

ClinVar aggregate classification (germline): Uncertain significance (1 of 4 stars; one submission).

Conditions:
Hereditary cancer-predisposing syndrome. Also called: Neoplastic Syndromes, Hereditary; Tumor predisposition; Hereditary neoplastic syndrome; Hereditary Cancer Syndrome. Identifiers: Orphanet 140162, MedGen C0027672, MeSH D009386, MONDO:0015356.

Submission:

Ambry Genetics
Classification: Uncertain significance for Hereditary cancer-predisposing syndrome. Last evaluated: 2018-05-22. Review status: criteria provided, single submitter. Criteria: Ambry Variant Classification Scheme 2023. Collection method: clinical testing. Allele origin: germline.
Comment: The p.L23R variant (also known as c.68T>G), located in coding exon 2 of the MRE11A gene, results from a T to G substitution at nucleotide position 68. The leucine at codon 23 is replaced by arginine, an amino acid with dissimilar properties. This amino acid position is highly conserved in available vertebrate species. In addition, this alteration is predicted to be deleterious by in silico analysis. Since supporting evidence is limited at this time, the clinical significance of this alteration remains unclear.

NM_005591.4(MRE11):c.68T>G (p.Leu23Arg)

Gene: MRE11 (MRE11 double strand break repair nuclease; minus strand). Cytogenetic location: 11q21.
Variant type: single nucleotide variant.
Coding change: c.68T>G on transcript NM_005591.4 (MANE Select); coding-DNA position 68, T replaced by G.
Protein change: p.Leu23Arg; replaces leucine 23 with arginine.
Molecular consequence: missense variant.
Genome position (GRCh38, 1-based): chr11:94,490,918, A>C on the plus strand (T>G on the coding strand, the complement: MRE11 is on the minus strand). VCF-style: chr11-94490918-A-C. GRCh37 (hg19) VCF-style: chr11-94224084-A-C.
Other names: c.68T>G, p.Leu23Arg (NM_001330347.2, NM_005590.4); short protein forms L23R.
Identifiers: ClinVar variation 826696 (VCV000826696.4), dbSNP rs1190829683, ClinGen allele CA382380928.